The following is an entry in ClinVar:

ClinVar aggregate classification (germline): Uncertain significance. Review status: criteria provided, multiple submitters, no conflicts (2 of 4 stars). 2 submissions from 2 submitters: Uncertain significance (2). Last evaluated 2025-02-27.

Allele frequency attached by ClinVar (database versions not stated): gnomAD 0.00002.

Submissions (2):

Labcorp Genetics (formerly Invitae), Labcorp
Classification: Uncertain significance. Last evaluated: 2025-02-27. Review status: criteria provided, single submitter. Criteria: Invitae Variant Classification Sherloc (09022015). Collection method: clinical testing. Allele origin: germline.
Comment: This sequence change replaces histidine, which is basic and polar, with tyrosine, which is neutral and polar, at codon 243 of the NUP133 protein (p.His243Tyr). This variant is present in population databases (no rsID available, gnomAD 0.003%). This variant has not been reported in the literature in individuals affected with NUP133-related conditions. ClinVar contains an entry for this variant (Variation ID: 2226313). An algorithm developed to predict the effect of missense changes on protein structure and function (PolyPhen-2) suggests that this variant is likely to be tolerated. In summary, the available evidence is currently insufficient to determine the role of this variant in disease. Therefore, it has been classified as a Variant of Uncertain Significance.

Ambry Genetics
Classification: Uncertain significance. Last evaluated: 2021-06-18. Review status: criteria provided, single submitter. Criteria: Ambry Variant Classification Scheme 2023. Collection method: clinical testing. Allele origin: germline.

NM_018230.3(NUP133):c.727C>T (p.His243Tyr)

Gene: NUP133 (nucleoporin 133; minus strand). Cytogenetic location: 1q42.13.
Variant type: single nucleotide variant.
Coding change: c.727C>T on transcript NM_018230.3 (MANE Select); coding-DNA position 727, C replaced by T.
Protein change: p.His243Tyr; replaces histidine 243 with tyrosine.
Molecular consequence: missense variant.
Genome position (GRCh38, 1-based): chr1:229,498,228, G>A on the plus strand (C>T on the coding strand, the complement: NUP133 is on the minus strand). VCF-style: chr1-229498228-G-A. GRCh37 (hg19) VCF-style: chr1-229633975-G-A.
Other names: short protein forms H243Y.
Identifiers: ClinVar variation 2226313 (VCV002226313.5), dbSNP rs950758812, ClinGen allele CA38819715.
Genomic context (GRCh38, chr1:229,498,228, plus strand): 5'-AAAGAGAAGAAACTTTTCGACCAATTCCTGAAAGCATGCCTTGCCCCTGAGGCAGGATAT[G>A]CTGATGAATCTTTCCTGAGCTCTCAGGTATCAACCGAATTAGTTGGCTTCCTGATGAAGA-3'
Protein context (NP_060700.2, residues 233-253): IPESSGKIHQ[His243Tyr]ILPQGQGMLS